The following is an entry in ClinVar:

ClinVar aggregate classification (germline): Uncertain significance (1 of 4 stars; one submission).

Conditions:
Hereditary cancer-predisposing syndrome. Also called: Tumor predisposition; Hereditary neoplastic syndrome; Hereditary Cancer Syndrome; Neoplastic Syndromes, Hereditary. Identifiers: Orphanet 140162, MedGen C0027672, MeSH D009386, MONDO:0015356.

Submission:

Ambry Genetics
Classification: Uncertain significance for Hereditary cancer-predisposing syndrome. Last evaluated: 2025-06-06. Review status: criteria provided, single submitter. Criteria: Ambry Variant Classification Scheme 2023. Collection method: clinical testing. Allele origin: germline.
Comment: The c.256-2A>G intronic variant results from an A to G substitution two nucleotides upstream from coding exon 4 in the POT1 gene. Alterations that disrupt the canonical splice site are expected to result in aberrant splicing. This nucleotide position is highly conserved in available vertebrate species. In silico splice site analysis predicts that this alteration will weaken the native splice acceptor site and may result in the creation or strengthening of a novel splice acceptor site; however, direct evidence is insufficient at this time (Ambry internal data). Based on the available evidence, the clinical significance of this variant remains unclear.

NM_015450.3(POT1):c.256-2A>G

Gene: POT1 (protection of telomeres 1; minus strand). Cytogenetic location: 7q31.33.
Variant type: single nucleotide variant.
Coding change: c.256-2A>G on transcript NM_015450.3 (MANE Select); the canonical splice acceptor site of the intron before coding-DNA position 256, A replaced by G.
Molecular consequence: splice acceptor variant.
Genome position (GRCh38, 1-based): chr7:124,863,642, T>C on the plus strand (A>G on the coding strand, the complement: POT1 is on the minus strand). VCF-style: chr7-124863642-T-C. GRCh37 (hg19) VCF-style: chr7-124503696-T-C.
Other names: c.-138-2A>G (NM_001042594.2).
Identifiers: ClinVar variation 3936307 (VCV003936307.1).